The following is an entry in ClinVar:

ClinVar aggregate classification (germline): Uncertain significance. Review status: criteria provided, multiple submitters, no conflicts (2 of 4 stars). 2 submissions from 2 submitters: Uncertain significance (2). Last evaluated 2025-10-15.

Conditions:
Van Maldergem syndrome 1 (VMLDS1). Also called: Van Maldergem syndrome 1 (VMLDS1). Identifiers: Orphanet 314679, MedGen C4551950, MONDO:0011070, OMIM 601390.

Allele frequency attached by ClinVar (database versions not stated): gnomAD 0.00001; gnomAD exomes 0.00001; TOPMed 0.00001.
gnomAD v4.1: 20 of 1,577,296 alleles (0.0013%); highest among the groups gnomAD compares: Non-Finnish European, 0.0015%; no homozygotes.

Submissions (2):

Labcorp Genetics (formerly Invitae), Labcorp
Classification: Uncertain significance. Last evaluated: 2025-10-15. Review status: criteria provided, single submitter. Criteria: Invitae Variant Classification Sherloc (09022015). Collection method: clinical testing. Allele origin: germline.
Comment: This sequence change replaces serine, which is neutral and polar, with glycine, which is neutral and non-polar, at codon 46 of the DCHS1 protein (p.Ser46Gly). This variant is present in population databases (no rsID available, gnomAD 0.001%). This variant has not been reported in the literature in individuals affected with DCHS1-related conditions. ClinVar contains an entry for this variant (Variation ID: 3237412). Invitae Evidence Modeling of protein sequence and biophysical properties (such as structural, functional, and spatial information, amino acid conservation, physicochemical variation, residue mobility, and thermodynamic stability) indicates that this missense variant is not expected to disrupt DCHS1 protein function with a negative predictive value of 80%. In summary, the available evidence is currently insufficient to determine the role of this variant in disease. Therefore, it has been classified as a Variant of Uncertain Significance.

Clinical Genomics Laboratory, Washington University in St. Louis
Classification: Uncertain significance for Van Maldergem syndrome 1. Last evaluated: 2024-01-24. Review status: criteria provided, single submitter. Criteria: ACMG Guidelines, 2015. Collection method: clinical testing. Allele origin: germline.
Comment: The DCHS1 c.136A>G (p.Ser46Gly) variant was identified at a heterozygous allele fraction of 50%, a frequency which may be consistent with it being of germline origin. Computational predictors suggest that this variant does not impact DCHS1 function. This variant is observed on 20/1,577,296 alleles in the general population (gnomAD v4.0.0), indicating it is not a common variant. This variant, to our knowledge, has not been reported in the medical literature. Due to limited information, and based on the ACMG/AMP guidelines for variant interpretation (Richards S et al., PMID: 25741868), the clinical significance of the DCHS1 c.136A>G (p.Ser46Gly) variant is uncertain at this time.

NM_003737.4(DCHS1):c.136A>G (p.Ser46Gly)

Gene: DCHS1 (dachsous cadherin-related 1; minus strand). Cytogenetic location: 11p15.4.
Variant type: single nucleotide variant.
Coding change: c.136A>G on transcript NM_003737.4 (MANE Select); coding-DNA position 136, A replaced by G.
Protein change: p.Ser46Gly; replaces serine 46 with glycine.
Molecular consequence: missense variant.
Genome position (GRCh38, 1-based): chr11:6,641,478, T>C on the plus strand (A>G on the coding strand, the complement: DCHS1 is on the minus strand). VCF-style: chr11-6641478-T-C. GRCh37 (hg19) VCF-style: chr11-6662709-T-C.
Other names: short protein forms S46G.
Identifiers: ClinVar variation 3237412 (VCV003237412.2), dbSNP rs1359791492.
Genomic context (GRCh38, chr11:6,641,478, plus strand): 5'-CACTGATGTCGCCAATCAGTGTACCCGCTGGCTGCTCCTCATCAATCTGCAAGTCCAGGC[T>C]CCCAGCCTGACCCCAGGCACCTGGCACCCCAGCCCCCAGCAGCAGCAGCAGCAGCAGCAG-3'
Protein context (NP_003728.1, residues 36-56): GVPGAWGQAG[Ser46Gly]LDLQIDEEQP